The following is an entry in ClinVar:

ClinVar aggregate classification (germline): Uncertain significance (1 of 4 stars; one submission).

Conditions:
Cardiovascular phenotype. Identifiers: MedGen CN230736.

Allele frequency attached by ClinVar (database versions not stated): gnomAD exomes below 0.00001.
gnomAD v4.1: 1 of 1,614,178 alleles (0.000062%); highest among the groups gnomAD compares: African/African-American, 0.0013%; no homozygotes.

Submission:

Ambry Genetics
Classification: Uncertain significance for Cardiovascular phenotype. Last evaluated: 2023-06-11. Review status: criteria provided, single submitter. Criteria: Ambry Variant Classification Scheme 2023. Collection method: clinical testing. Allele origin: germline.
Comment: The p.I1070M variant (also known as c.3210A>G), located in coding exon 23 of the LAMA4 gene, results from an A to G substitution at nucleotide position 3210. The isoleucine at codon 1070 is replaced by methionine, an amino acid with highly similar properties. This amino acid position is conserved. In addition, the in silico prediction for this alteration is inconclusive. Since supporting evidence is limited at this time, the clinical significance of this alteration remains unclear.

NM_001105206.3(LAMA4):c.3231A>G (p.Ile1077Met)

Gene: LAMA4 (laminin subunit alpha 4; minus strand). Cytogenetic location: 6q21.
Variant type: single nucleotide variant.
Coding change: c.3231A>G on transcript NM_001105206.3 (MANE Select); coding-DNA position 3231, A replaced by G.
Protein change: p.Ile1077Met; replaces isoleucine 1077 with methionine.
Molecular consequence: missense variant.
Genome position (GRCh38, 1-based): chr6:112,139,171, T>C on the plus strand (A>G on the coding strand, the complement: LAMA4 is on the minus strand). VCF-style: chr6-112139171-T-C. GRCh37 (hg19) VCF-style: chr6-112460373-T-C.
Other names: c.3210A>G, p.Ile1070Met (NM_001105207.3, NM_002290.5); short protein forms I1070M, I1077M.
Identifiers: ClinVar variation 2562641 (VCV002562641.2), dbSNP rs2547019190, ClinGen allele CA365378907.